The following is an entry in ClinVar:

NM_001378454.1(ALMS1):c.7827del (p.Ser2610fs)

Gene: ALMS1 (ALMS1 centrosome and basal body associated protein; plus strand). Cytogenetic location: 2p13.1.
Variant type: Deletion.
Coding change: c.7827del on transcript NM_001378454.1 (MANE Select); coding-DNA position 7827, one base deleted (C; older notation c.7827delC).
Protein change: p.Ser2610fs; shifts the reading frame from serine 2610.
Molecular consequence: frameshift variant.
Genome position (GRCh38, 1-based): chr2:73,489,786, C deleted; the last of 3 consecutive C bases (chr2:73,489,784-73,489,786); deleting any one gives the same sequence. VCF-style (leftmost placement, unchanged base first): chr2-73489783-AC-A. GRCh37 (hg19) VCF-style: chr2-73716910-AC-A.
Other names: c.7830del, p.Ser2611fs (NM_015120.4); c.7830delC (NM_015120.4); short protein forms S2611fs, S2610fs.
Identifiers: ClinVar variation 555240 (VCV000555240.7), dbSNP rs1553409617, ClinGen allele CA658821971.
Genomic context (GRCh38, chr2:73,489,783, plus strand): 5'-GACTCTAACTTCTGAACATCCACAACTAGATAGACACCCTTGTGCTTTCAGATCTGCTGG[AC>A]CCTCAGAAATGACCAGAGGACGGCAGAACCCATCATCATGCAGAGCCAAGCATGTCAACC-3'

ClinVar aggregate classification (germline): Pathogenic/Likely pathogenic. Review status: criteria provided, multiple submitters, no conflicts (2 of 4 stars). 4 submissions from 4 submitters: Pathogenic (1); Likely pathogenic (2). 1 of the submissions does not count toward it. Last evaluated 2025-11-05.

Conditions:
Alstrom syndrome (ALMS). Identifiers: Orphanet 64, MedGen C0268425, MONDO:0008763, OMIM 203800.

Submissions (4):

Labcorp Genetics (formerly Invitae), Labcorp
Classification: Pathogenic for Alstrom syndrome. Last evaluated: 2025-11-05. Review status: criteria provided, single submitter. Criteria: Invitae Variant Classification Sherloc (09022015). Collection method: clinical testing. Allele origin: germline.
Comment: This sequence change creates a premature translational stop signal (p.Ser2611Glnfs*3) in the ALMS1 gene. It is expected to result in an absent or disrupted protein product. Loss-of-function variants in ALMS1 are known to be pathogenic (PMID: 17594715). This variant is not present in population databases (gnomAD no frequency). This variant has not been reported in the literature in individuals affected with ALMS1-related conditions. ClinVar contains an entry for this variant (Variation ID: 555240). For these reasons, this variant has been classified as Pathogenic.

Natera, Inc.
Classification: Likely pathogenic for Alstrom syndrome. Last evaluated: 2024-06-04. Review status: criteria provided, single submitter. Criteria: Natera Variant Classification Schema (03/2026). Collection method: clinical testing. Allele origin: germline.
Comment: The c.7830delC variant in ALMS1 is a frameshift variant predicted to shift the reading frame beginning at codon 2611 and leads to a stop codon 3 codons downstream. This variant is expected to result in nonsense mediated decay, truncation, or a dysfunctional protein product. This variant is rare in the general population with a frequency below the threshold expected for the associated phenotype(s). Given the available evidence, this variant is classified as Likely Pathogenic.

Fulgent Genetics
Classification: Likely pathogenic for Alstrom syndrome. Last evaluated: 2021-07-24. Review status: criteria provided, single submitter. Criteria: ACMG Guidelines, 2015. Collection method: clinical testing. Allele origin: unknown.

Counsyl
Classification: Likely pathogenic for Alstrom syndrome. Last evaluated: 2017-12-01. Review status: no assertion criteria provided. Collection method: clinical testing. Allele origin: unknown. Not counted in ClinVar's aggregate classification.

Literature cited by the submitters: PubMed 17594715 (cited by Labcorp Genetics (formerly Invitae), Labcorp).